The following is an entry in ClinVar:

ClinVar aggregate classification (germline): Uncertain significance (1 of 4 stars; one submission).

Submission:

GeneDx
Classification: Uncertain significance. Last evaluated: 2026-03-24. Review status: criteria provided, single submitter. Criteria: GeneDx Variant Classification Process June 2021. Collection method: clinical testing. Allele origin: germline.
Comment: Not observed at significant frequency in large population cohorts (gnomAD); Has not been previously published as pathogenic or benign to our knowledge; In silico analysis suggests this variant may impact gene splicing. In the absence of RNA/functional studies, the actual effect of this sequence change is unknown.

NC_000001.11:g.61332586AGTA[3]

Gene: NFIA (nuclear factor I A; plus strand). Cytogenetic location: 1p31.3.
Variant type: Microsatellite.
Genome position: GRCh38 VCF-style: chr1-61332585-G-GAGTA. GRCh37 (hg19) VCF-style: chr1-61798257-G-GAGTA.
Identifiers: ClinVar variation 5017459 (VCV005017459.1).